The following is an entry in ClinVar:

ClinVar aggregate classification (germline): Uncertain significance (1 of 4 stars; one submission).

Conditions:
Fanconi anemia complementation group E (FANCE). Also called: FANCE-Related Fanconi Anemia. Identifiers: Orphanet 84, MedGen C3160739, MONDO:0010953, OMIM 600901.

Submission:

Labcorp Genetics (formerly Invitae), Labcorp
Classification: Uncertain significance for Fanconi anemia complementation group E. Last evaluated: 2022-06-14. Review status: criteria provided, single submitter. Criteria: Invitae Variant Classification Sherloc (09022015). Collection method: clinical testing. Allele origin: germline.
Comment: This sequence change replaces proline, which is neutral and non-polar, with serine, which is neutral and polar, at codon 57 of the FANCE protein (p.Pro57Ser). This variant is not present in population databases (gnomAD no frequency). This variant has not been reported in the literature in individuals affected with FANCE-related conditions. ClinVar contains an entry for this variant (Variation ID: 577756). Algorithms developed to predict the effect of missense changes on protein structure and function are either unavailable or do not agree on the potential impact of this missense change (SIFT: "Tolerated"; PolyPhen-2: "Probably Damaging"; Align-GVGD: "Class C0"). In summary, the available evidence is currently insufficient to determine the role of this variant in disease. Therefore, it has been classified as a Variant of Uncertain Significance.

NM_021922.3(FANCE):c.169C>T (p.Pro57Ser)

Genes: FANCE (FA complementation group E; plus strand), LOC129996245 (ATAC-STARR-seq lymphoblastoid silent region 17092; plus strand). Cytogenetic location: 6p21.31.
Variant type: single nucleotide variant.
Coding change: c.169C>T on transcript NM_021922.3 (MANE Select); coding-DNA position 169, C replaced by T.
Protein change: p.Pro57Ser; replaces proline 57 with serine.
Molecular consequence: missense variant.
Genome position (GRCh38, 1-based): chr6:35,452,714, C>T. VCF-style: chr6-35452714-C-T. GRCh37 (hg19) VCF-style: chr6-35420491-C-T.
Other names: short protein forms P57S.
Identifiers: ClinVar variation 577756 (VCV000577756.6), dbSNP rs1561787173, ClinGen allele CA363770546.